The following is an entry in ClinVar:

NM_001267550.2(TTN):c.78697G>T (p.Glu26233Ter)

Genes: TTN-AS1 (TTN antisense RNA 1; plus strand), TTN (titin; minus strand). Cytogenetic location: 2q31.2.
Variant type: single nucleotide variant.
Coding change: c.78697G>T on transcript NM_001267550.2 (MANE Select); coding-DNA position 78697, G replaced by T.
Protein change: p.Glu26233Ter; replaces glutamic acid 26233 with a stop codon.
Molecular consequence: nonsense.
Genome position (GRCh38, 1-based): chr2:178,567,435, C>A on the plus strand (G>T on the coding strand, the complement: TTN is on the minus strand). VCF-style: chr2-178567435-C-A. GRCh37 (hg19) VCF-style: chr2-179432162-C-A.
Other names: p.E23665*:GAA>TAA; c.52078G>T, p.Glu17360Ter (NM_133437.4); c.73774G>T, p.Glu24592Ter (NM_001256850.1); c.51502G>T, p.Glu17168Ter (NM_003319.4); c.70993G>T, p.Glu23665Ter (NM_133378.4); c.51877G>T, p.Glu17293Ter (NM_133432.3); short protein forms E23665*, E26233*, E24592*, E17168*, E17360*, E17293*.
Identifiers: ClinVar variation 202410 (VCV000202410.8), dbSNP rs267599036, ClinGen allele CA309327.

ClinVar aggregate classification (germline): Likely pathogenic. Review status: criteria provided, multiple submitters, no conflicts (2 of 4 stars). 3 submissions from 3 submitters: Likely pathogenic (3). Last evaluated 2024-07-14.

Conditions:
TTN-related disorder. Also called: TTN-related disorders; TTN-related condition; TTN-related disease.
Dilated cardiomyopathy 1G (CMD1G). Identifiers: Orphanet 154, MedGen C1858763, MONDO:0011400, OMIM 604145.
Autosomal recessive limb-girdle muscular dystrophy type 2J (LGMDR10). Also called: MUSCULAR DYSTROPHY, LIMB-GIRDLE, AUTOSOMAL RECESSIVE 10; Limb-girdle muscular dystrophy, type 2J. Identifiers: Orphanet 140922, MedGen C1837342, MONDO:0012127, OMIM 608807.

Submissions (3):

Labcorp Genetics (formerly Invitae), Labcorp
Classification: Likely pathogenic for Dilated cardiomyopathy 1G; Autosomal recessive limb-girdle muscular dystrophy type 2J. Last evaluated: 2024-07-14. Review status: criteria provided, single submitter. Criteria: Invitae Variant Classification Sherloc (09022015). Collection method: clinical testing. Allele origin: germline.
Comment: This sequence change creates a premature translational stop signal (p.Glu26233*) in the TTN gene. While this is not anticipated to result in nonsense mediated decay, it is expected to create a truncated TTN protein. This variant is not present in population databases (gnomAD no frequency). This variant has not been reported in the literature in individuals affected with TTN-related conditions. ClinVar contains an entry for this variant (Variation ID: 202410). This variant is located in the A band of TTN (PMID: 25589632). Truncating variants in this region are significantly overrepresented in patients affected with dilated cardiomyopathy (PMID: 25589632). Truncating variants in this region have also been reported in individuals affected with autosomal recessive centronuclear myopathy (PMID: 23975875). In summary, the currently available evidence indicates that the variant is pathogenic, but additional data are needed to prove that conclusively. Therefore, this variant has been classified as Likely Pathogenic.

Blueprint Genetics
Classification: Likely pathogenic for TTN-related disorders. Last evaluated: 2020-08-01. Review status: criteria provided, single submitter. Criteria: ACMG Guidelines, 2015. Collection method: clinical testing. Allele origin: germline. Affected: yes. Observed: 1 variant allele.

GeneDx
Classification: Likely pathogenic. Last evaluated: 2012-10-16. Review status: criteria provided, single submitter. Criteria: GeneDx Variant Classification (06012015). Collection method: clinical testing. Allele origin: germline. Affected: yes.
Comment: p.Glu23665Ter:c.70993G>T (NM_133378.4) is also known as p.Glu24592Stop (GAA>TAA):c.73774 G>T in exon 275 of the TTN gene (NM_001256850.1). The Glu24592Stop variant in the TTN gene has not been reported previously as a disease-causing mutation nor as a benign polymorphism, to our knowledge. Glu24592Stop is predicted to cause loss of normal protein function either due to production of an abnormal, prematurely truncated protein, or by absence of protein product due to nonsense mediated mRNA decay. Glu24592Stop is located in the A-band region of titin, where the majority of truncating mutations associated with DCM have been reported (Herman D et al., 2012). The NHLBI ESP Exome Variant Server reports Glu24592Stop was not observed in approximately 6,000 samples from individuals of European and African American backgrounds, indicating it is not a common benign variant in these populations. The variant is found in DCM panel(s).

Literature cited by the submitters: PubMed 25589632 (cited by Labcorp Genetics (formerly Invitae), Labcorp); PubMed 23975875 (cited by Labcorp Genetics (formerly Invitae), Labcorp).